The following is an entry in ClinVar:

NM_001114753.3(ENG):c.411G>T (p.Glu137Asp)

Gene: ENG (endoglin; minus strand). Cytogenetic location: 9q34.11.
Variant type: single nucleotide variant.
Coding change: c.411G>T on transcript NM_001114753.3 (MANE Select); coding-DNA position 411, G replaced by T.
Protein change: p.Glu137Asp; replaces glutamic acid 137 with aspartic acid.
Molecular consequence: missense variant. On other transcripts: 5 prime UTR variant (1).
Genome position (GRCh38, 1-based): chr9:127,826,622, C>A on the plus strand (G>T on the coding strand, the complement: ENG is on the minus strand). VCF-style: chr9-127826622-C-A. GRCh37 (hg19) VCF-style: chr9-130588901-C-A.
Other names: c.411G>T, p.Glu137Asp (NM_000118.4, NM_001406715.1); c.-136G>T (NM_001278138.2); short protein forms E137D.
Identifiers: ClinVar variation 2580465 (VCV002580465.2), dbSNP rs888984779, ClinGen allele CA374984330.

ClinVar aggregate classification (germline): Uncertain significance (1 of 4 stars; one submission).

Allele frequency attached by ClinVar (database versions not stated): gnomAD exomes below 0.00001.
gnomAD v4.1: 1 of 1,614,008 alleles (0.000062%); highest among the groups gnomAD compares: Non-Finnish European, 0.000085%; no homozygotes.

Submission:

GeneDx
Classification: Uncertain significance. Last evaluated: 2025-09-27. Review status: criteria provided, single submitter. Criteria: GeneDx Variant Classification Process June 2021. Collection method: clinical testing. Allele origin: germline.
Comment: Not observed at significant frequency in large population cohorts (gnomAD); In silico analysis suggests that this missense variant does not alter protein structure/function; Has not been previously published as pathogenic or benign to our knowledge